The following is an entry in ClinVar:

NM_001843.4(CNTN1):c.985+20T>A

Gene: CNTN1 (contactin 1; plus strand). Cytogenetic location: 12q12.
Variant type: single nucleotide variant.
Coding change: c.985+20T>A on transcript NM_001843.4 (MANE Select); 20 bases into the intron after coding-DNA position 985, T replaced by A.
Molecular consequence: intron variant.
Genome position (GRCh38, 1-based): chr12:40,933,898, T>A. VCF-style: chr12-40933898-T-A. GRCh37 (hg19) VCF-style: chr12-41327700-T-A.
Other names: c.985+20T>A (NM_001256063.2, NM_001256064.2); c.952+20T>A (NM_175038.2).
Identifiers: ClinVar variation 388580 (VCV000388580.1), dbSNP rs1057523160, ClinGen allele CA16606530.

ClinVar aggregate classification (germline): Likely benign (1 of 4 stars; one submission).

Allele frequency attached by ClinVar (database versions not stated): gnomAD exomes below 0.00001; TOPMed below 0.00001.
gnomAD v4.1: 1 of 1,581,048 alleles (0.000063%); highest among the groups gnomAD compares: East Asian, 0.0023%; no homozygotes.

Submission:

GeneDx
Classification: Likely benign. Last evaluated: 2016-08-23. Review status: criteria provided, single submitter. Criteria: GeneDx Variant Classification (06012015). Collection method: clinical testing. Allele origin: germline. Affected: yes.
Comment: This variant is considered likely benign or benign based on one or more of the following criteria: it is a conservative change, it occurs at a poorly conserved position in the protein, it is predicted to be benign by multiple in silico algorithms, and/or has population frequency not consistent with disease.